The following is an entry in ClinVar:

ClinVar aggregate classification (germline): Uncertain significance (1 of 4 stars; one submission).

Conditions:
Congenital contractural arachnodactyly (CCA). Also called: Arthrogryposis, distal, type 9; BEALS SYNDROME; Beals-Hecht syndrome. Identifiers: Orphanet 115, MedGen C0220668, MONDO:0007363, OMIM 121050.

Submission:

Labcorp Genetics (formerly Invitae), Labcorp
Classification: Uncertain significance for Congenital contractural arachnodactyly. Last evaluated: 2025-08-13. Review status: criteria provided, single submitter. Criteria: Invitae Variant Classification Sherloc (09022015). Collection method: clinical testing. Allele origin: germline.
Comment: This sequence change replaces leucine, which is neutral and non-polar, with valine, which is neutral and non-polar, at codon 1125 of the FBN2 protein (p.Leu1125Val). This variant is not present in population databases (gnomAD no frequency). This variant has not been reported in the literature in individuals affected with FBN2-related conditions. ClinVar contains an entry for this variant (Variation ID: 3720650). Invitae Evidence Modeling of protein sequence and biophysical properties (such as structural, functional, and spatial information, amino acid conservation, physicochemical variation, residue mobility, and thermodynamic stability) indicates that this missense variant is not expected to disrupt FBN2 protein function with a negative predictive value of 80%. In summary, the available evidence is currently insufficient to determine the role of this variant in disease. Therefore, it has been classified as a Variant of Uncertain Significance.

NM_001999.4(FBN2):c.3373C>G (p.Leu1125Val)

Gene: FBN2 (fibrillin 2; minus strand). Cytogenetic location: 5q23.3.
Variant type: single nucleotide variant.
Coding change: c.3373C>G on transcript NM_001999.4 (MANE Select); coding-DNA position 3373, C replaced by G.
Protein change: p.Leu1125Val; replaces leucine 1125 with valine.
Molecular consequence: missense variant.
Genome position (GRCh38, 1-based): chr5:128,339,032, G>C on the plus strand (C>G on the coding strand, the complement: FBN2 is on the minus strand). VCF-style: chr5-128339032-G-C. GRCh37 (hg19) VCF-style: chr5-127674724-G-C.
Other names: short protein forms L1125V.
Identifiers: ClinVar variation 3720650 (VCV003720650.2).
Genomic context (GRCh38, chr5:128,339,032, plus strand): 5'-CTTCGAAGCACTCGCACTCAAAGCTGCCCGGTGTATTGACGCAGATTCCACTGCCACAGA[G>C]GTCAGGAGAAATCCTGCACTCGTCGATGTCTAATTCACAGGGTTTAAAAGAAATTTAAAA-3'
Protein context (NP_001990.2, residues 1115-1135): DIDECRISPD[Leu1125Val]CGSGICVNTP